The following is an entry in ClinVar:

NM_152672.6(SLC51A):c.965A>G (p.His322Arg)

Gene: SLC51A (solute carrier family 51 member A; plus strand). Cytogenetic location: 3q29.
Variant type: single nucleotide variant.
Coding change: c.965A>G on transcript NM_152672.6 (MANE Select); coding-DNA position 965, A replaced by G.
Protein change: p.His322Arg; replaces histidine 322 with arginine.
Molecular consequence: missense variant.
Genome position (GRCh38, 1-based): chr3:196,233,141, A>G. VCF-style: chr3-196233141-A-G. GRCh37 (hg19) VCF-style: chr3-195960012-A-G.
Other names: short protein forms H322R.
Identifiers: ClinVar variation 4998315 (VCV004998315.1).
Genomic context (GRCh38, chr3:196,233,141, plus strand): 5'-TCATACTGGAGACTTTTCTAATGACTGTGCTGACACGAATGTACTACCGAAGGAAAGACC[A>G]CAAGGTTGGGTATGAAACTTTCTCTTCTCCAGACCTGGACTTGAACCTCAAAGCCTAAGG-3'
Protein context (NP_689885.4, residues 312-332): LTRMYYRRKD[His322Arg]KVGYETFSSP

ClinVar aggregate classification (germline): Uncertain significance (1 of 4 stars; one submission).

Conditions:
SLC51A-related disorder. Also called: SLC51A-related condition.

gnomAD v4.1: 2 of 1,614,252 alleles (0.00012%); highest among the groups gnomAD compares: Non-Finnish European, 0.00017%; no homozygotes.

Submission:

PreventionGenetics, part of Exact Sciences
Classification: Uncertain significance for SLC51A-related condition. Last evaluated: 2025-01-02. Review status: criteria provided, single submitter. Criteria: ACMG Guidelines, 2015. Collection method: clinical testing. Allele origin: germline.
Comment: The SLC51A c.965A>G variant is predicted to result in the amino acid substitution p.His322Arg. To our knowledge, this variant has not been reported in the literature or in a large population database (gnomAD), indicating this variant is rare. At this time, the clinical significance of this variant is uncertain due to the absence of conclusive functional and genetic evidence.